The following is an entry in ClinVar:

NM_001134831.2(AHI1):c.3329-7A>G

Gene: AHI1 (Abelson helper integration site 1; minus strand). Cytogenetic location: 6q23.3.
Variant type: single nucleotide variant.
Coding change: c.3329-7A>G on transcript NM_001134831.2 (MANE Select); 7 bases into the intron before coding-DNA position 3329, A replaced by G.
Molecular consequence: intron variant.
Genome position (GRCh38, 1-based): chr6:135,318,623, T>C on the plus strand (A>G on the coding strand, the complement: AHI1 is on the minus strand). VCF-style: chr6-135318623-T-C. GRCh37 (hg19) VCF-style: chr6-135639761-T-C.
Other names: c.3329-7A>G (NM_001134830.2, NM_001350503.2, NM_017651.5 and 1 more transcripts).
Identifiers: ClinVar variation 696038 (VCV000696038.17), dbSNP rs370808684, ClinGen allele CA4012037.

ClinVar aggregate classification (germline): Conflicting classifications of pathogenicity. Review status: criteria provided, conflicting classifications (1 of 4 stars). 5 submissions from 5 submitters: Uncertain significance (1); Benign (1); Likely benign (3). Last evaluated 2026-01-17.

Conditions:
Joubert syndrome. Also called: Familial aplasia of the vermis; JOUBERT-BOLTSHAUSER SYNDROME. Identifiers: Orphanet 475, MedGen C5979921, MONDO:0018772.
AHI1-related disorder. Also called: AHI1-related condition.
Joubert syndrome 3 (JBTS3). Also called: AHI1-related Ciliopathy. Identifiers: Orphanet 220493, MedGen C1837713, MONDO:0012078, OMIM 608629.

Allele frequency attached by ClinVar (database versions not stated): ESP Exome Variant Server 0.00008; 1000 Genomes Project 30x 0.00016; gnomAD exomes 0.00016 and 0.00039; gnomAD 0.00030 and 0.00031; ExAC 0.00032; TOPMed 0.00036.
gnomAD v4.1: 267 of 1,579,126 alleles (0.017%); highest among the groups gnomAD compares: Admixed American, 0.22%; no homozygotes.

Submissions (5):

Labcorp Genetics (formerly Invitae), Labcorp
Classification: Benign for Joubert syndrome. Last evaluated: 2026-01-17. Review status: criteria provided, single submitter. Criteria: Invitae Variant Classification Sherloc (09022015). Collection method: clinical testing. Allele origin: germline.

GeneDx
Classification: Uncertain significance. Last evaluated: 2025-12-11. Review status: criteria provided, single submitter. Criteria: GeneDx Variant Classification Process June 2021. Collection method: clinical testing. Allele origin: germline. Affected: yes.
Comment: In silico analysis supports a deleterious effect on splicing; Has not been previously published as pathogenic or benign to our knowledge

PreventionGenetics, part of Exact Sciences
Classification: Likely benign for AHI1-related condition. Last evaluated: 2024-10-07. Review status: criteria provided, single submitter. Criteria: ACMG Guidelines, 2015. Collection method: clinical testing. Allele origin: germline.
Comment: This variant is classified as likely benign based on ACMG/AMP sequence variant interpretation guidelines (Richards et al. 2015 PMID: 25741868, with internal and published modifications).

Blueprint Genetics
Classification: Likely benign. Last evaluated: 2024-07-19. Review status: criteria provided, single submitter. Criteria: ACMG Guidelines, 2015. Collection method: clinical testing. Allele origin: germline.

Fulgent Genetics
Classification: Likely benign for Joubert syndrome 3. Last evaluated: 2024-06-15. Review status: criteria provided, single submitter. Criteria: ACMG Guidelines, 2015. Collection method: clinical testing. Allele origin: germline.